The following is an entry in ClinVar:

NM_000038.6(APC):c.5366T>G (p.Val1789Gly)

Gene: APC (APC regulator of Wnt signaling pathway; plus strand). Cytogenetic location: 5q22.2.
Variant type: single nucleotide variant.
Coding change: c.5366T>G on transcript NM_000038.6 (MANE Select); coding-DNA position 5366, T replaced by G.
Protein change: p.Val1789Gly; replaces valine 1789 with glycine.
Molecular consequence: missense variant.
Genome position (GRCh38, 1-based): chr5:112,840,960, T>G. VCF-style: chr5-112840960-T-G. GRCh37 (hg19) VCF-style: chr5-112176657-T-G.
Other names: c.5366T>G, p.Val1789Gly (NM_001127510.3, NM_001354895.2, NM_001407450.1); c.5312T>G, p.Val1771Gly (NM_001127511.3); c.5420T>G, p.Val1807Gly (NM_001354896.2, NM_001407447.1, NM_001407448.1 and 1 more transcripts); c.5396T>G, p.Val1799Gly (NM_001354897.2); c.5291T>G, p.Val1764Gly (NM_001354898.2); c.5282T>G, p.Val1761Gly (NM_001354899.2); c.5243T>G, p.Val1748Gly (NM_001354900.2); c.5189T>G, p.Val1730Gly (NM_001354901.2, NM_001407453.1); and 11 more; short protein forms V1688G, V1764G, V1799G, V1629G, V1706G, V1782G, V1817G, V1506G.
Identifiers: ClinVar variation 2114066 (VCV002114066.5), dbSNP rs1362525174, ClinGen allele CA16033060.
Genomic context (GRCh38, chr5:112,840,960, plus strand): 5'-AAAAGAAACCAACTTCACCAGTAAAACCTATACCACAAAATACTGAATATAGGACACGTG[T>G]AAGAAAAAATGCAGACTCAAAAAATAATTTAAATGCTGAGAGAGTTTTCTCAGACAACAA-3'
Protein context (NP_000029.2, residues 1779-1799): IPQNTEYRTR[Val1789Gly]RKNADSKNNL

ClinVar aggregate classification (germline): Uncertain significance. Review status: criteria provided, multiple submitters, no conflicts (2 of 4 stars). 2 submissions from 2 submitters: Uncertain significance (2). Last evaluated 2024-07-20.

Conditions:
Familial adenomatous polyposis 1 (FAP1). Also called: FAMILIAL ADENOMATOUS POLYPOSIS 1, ATTENUATED; POLYPOSIS, ADENOMATOUS INTESTINAL. Identifiers: MedGen C2713442, MONDO:0021056, OMIM 175100. Disease mechanism: loss of function.
Classic or attenuated familial adenomatous polyposis. Identifiers: MedGen CN372698, MONDO:0021057.

Submissions (2):

All of Us Research Program, National Institutes of Health
Classification: Uncertain significance for Classic or attenuated familial adenomatous polyposis. Last evaluated: 2024-07-20. Review status: criteria provided, single submitter. Criteria: ACMG Guidelines, 2015. Collection method: clinical testing. Allele origin: germline. Inheritance: Autosomal dominant inheritance. Observed: 1 variant allele, 1 heterozygote.
Comment: This missense variant replaces valine with glycine at codon 1789 of the APC protein. Computational prediction suggests that this variant may not impact protein structure and function (internally defined REVEL score threshold <= 0.5, PMID: 27666373). To our knowledge, functional studies have not been reported for this variant. This variant has not been reported in individuals affected with APC-related disorders in the literature. This variant has not been identified in the general population by the Genome Aggregation Database (gnomAD). The available evidence is insufficient to determine the role of this variant in disease conclusively. Therefore, this variant is classified as a Variant of Uncertain Significance.

This study involves interpretation of variants in research participants for the purpose of population health screening. Participant phenotype was not available at the time of variant classification. Additional details can be found in publication PMID: 35346344, PMCID: PMC8962531

Labcorp Genetics (formerly Invitae), Labcorp
Classification: Uncertain significance for Familial adenomatous polyposis 1. Last evaluated: 2024-04-08. Review status: criteria provided, single submitter. Criteria: Invitae Variant Classification Sherloc (09022015). Collection method: clinical testing. Allele origin: germline.
Comment: This sequence change replaces valine, which is neutral and non-polar, with glycine, which is neutral and non-polar, at codon 1789 of the APC protein (p.Val1789Gly). This variant is not present in population databases (gnomAD no frequency). This variant has not been reported in the literature in individuals affected with APC-related conditions. ClinVar contains an entry for this variant (Variation ID: 2114066). Advanced modeling of protein sequence and biophysical properties (such as structural, functional, and spatial information, amino acid conservation, physicochemical variation, residue mobility, and thermodynamic stability) performed at Invitae indicates that this missense variant is not expected to disrupt APC protein function with a negative predictive value of 95%. In summary, the available evidence is currently insufficient to determine the role of this variant in disease. Therefore, it has been classified as a Variant of Uncertain Significance.